The following is an entry in ClinVar:

NM_024422.6(DSC2):c.994T>C (p.Tyr332His)

Gene: DSC2 (desmocollin 2; minus strand). Cytogenetic location: 18q12.1.
Variant type: single nucleotide variant.
Coding change: c.994T>C on transcript NM_024422.6 (MANE Select); coding-DNA position 994, T replaced by C.
Protein change: p.Tyr332His; replaces tyrosine 332 with histidine.
Molecular consequence: missense variant.
Genome position (GRCh38, 1-based): chr18:31,083,009, A>G on the plus strand (T>C on the coding strand, the complement: DSC2 is on the minus strand). VCF-style: chr18-31083009-A-G. GRCh37 (hg19) VCF-style: chr18-28662975-A-G.
Other names: p.Y332H:TAT>CAT; c.994T>C (LRG_400t1); c.994T>C, p.Tyr332His (NM_004949.5); short protein forms Y332H.
Identifiers: ClinVar variation 199765 (VCV000199765.7), dbSNP rs794728067, ClinGen allele CA022987.
Genomic context (GRCh38, chr18:31,083,009, plus strand): 5'-AGTGGTCATTTACATCATCAATGTTAATGATACAAGTTGAAGTTGTCTGTAGACCAAAAT[A>G]CTGACCATCCATGTCTTGTACTTTTATTTTCAACTGGTACTTGTCAATTAACTGAAAACA-3'
Protein context (NP_077740.1, residues 322-342): KIKVQDMDGQ[Tyr332His]FGLQTTSTCI

ClinVar aggregate classification (germline): Uncertain significance. Review status: criteria provided, multiple submitters, no conflicts (2 of 4 stars). 4 submissions from 4 submitters: Uncertain significance (4). Last evaluated 2026-01-27.

Conditions:
Cardiovascular phenotype. Identifiers: MedGen CN230736.
Arrhythmogenic right ventricular dysplasia 11. Also called: Arrhythmogenic right ventricular dysplasia 11 with mild palmoplantar keratoderma and woolly hair; Arrhythmogenic Right Ventricular Dysplasia/Cardiomyopathy11; ARRHYTHMOGENIC RIGHT VENTRICULAR DYSPLASIA, FAMILIAL, 11. Identifiers: MedGen C1864850, MONDO:0012506, OMIM 610476.
Cardiomyopathy (CMYO). Also called: Cardiomyopathies. Identifiers: Orphanet 167848, MedGen C0878544, MONDO:0004994, HP:0001638. Inheritance: Various modes of inheritance.

gnomAD v4.1: 5 of 1,613,428 alleles (0.00031%); highest among the groups gnomAD compares: Middle Eastern, 0.053%; no homozygotes.

Submissions (4):

Labcorp Genetics (formerly Invitae), Labcorp
Classification: Uncertain significance for Arrhythmogenic right ventricular dysplasia 11. Last evaluated: 2026-01-27. Review status: criteria provided, single submitter. Criteria: Invitae Variant Classification Sherloc (09022015). Collection method: clinical testing. Allele origin: germline.
Comment: This sequence change replaces tyrosine, which is neutral and polar, with histidine, which is basic and polar, at codon 332 of the DSC2 protein (p.Tyr332His). This variant is not present in population databases (gnomAD no frequency). This variant has not been reported in the literature in individuals affected with DSC2-related conditions. ClinVar contains an entry for this variant (Variation ID: 199765). Invitae Evidence Modeling of protein sequence and biophysical properties (such as structural, functional, and spatial information, amino acid conservation, physicochemical variation, residue mobility, and thermodynamic stability) indicates that this missense variant is not expected to disrupt DSC2 protein function with a negative predictive value of 80%. In summary, the available evidence is currently insufficient to determine the role of this variant in disease. Therefore, it has been classified as a Variant of Uncertain Significance.

Ambry Genetics
Classification: Uncertain significance for Cardiovascular phenotype. Last evaluated: 2021-10-29. Review status: criteria provided, single submitter. Criteria: Ambry Variant Classification Scheme 2023. Collection method: clinical testing. Allele origin: germline.
Comment: The p.Y332H variant (also known as c.994T>C), located in coding exon 8 of the DSC2 gene, results from a T to C substitution at nucleotide position 994. The tyrosine at codon 332 is replaced by histidine, an amino acid with similar properties. This amino acid position is conserved. In addition, this alteration is predicted to be tolerated by in silico analysis. Since supporting evidence is limited at this time, the clinical significance of this alteration remains unclear.

CHEO Genetics Diagnostic Laboratory, Children's Hospital of Eastern Ontario
Classification: Uncertain significance for Cardiomyopathy. Last evaluated: 2020-08-24. Review status: criteria provided, single submitter. Criteria: ACMG Guidelines, 2015. Collection method: clinical testing. Allele origin: germline.

GeneDx
Classification: Uncertain significance. Last evaluated: 2018-06-28. Review status: criteria provided, single submitter. Criteria: GeneDx Variant Classification (06012015). Collection method: clinical testing. Allele origin: germline. Affected: yes.
Comment: p.Tyr332His (TAT>CAT): c.994 T>C in exon 8 of the DSC2 gene (NM_024422.3). The Y332H variant in the DSC2 gene has not been reported as a disease-causing mutation or as a benign polymorphism to our knowledge. The Y332H variant is a non-conservative amino acid substitution as these residues differ in polarity, charge, size and/or other properties and is more likely to impact secondary structure. The Y332H variant was not observed in approximately 6,500 individuals of European and African American ancestry in the NHLBI Exome Sequencing Project, indicating it is not a common benign variant in these populations. A mutation in a nearby residue (T340A) have been reported in association with ARVC supporting the functional importance of this region of the protein. However, the Y332 residue is not well conserved across species and in silico analysis predicts Y332H is benign to the protein structure/function. With the clinical and molecular information available at this time, we cannot definitively determine if Y332H is a disease-causing mutation or a rare benign variant.The variant is found in ARVC panel(s).